The following is an entry in ClinVar:

ClinVar aggregate classification (germline): Uncertain significance. Review status: criteria provided, multiple submitters, no conflicts (2 of 4 stars). 2 submissions from 2 submitters: Uncertain significance (2). Last evaluated 2025-08-12.

Conditions:
Cardiovascular phenotype. Identifiers: MedGen CN230736.
Progressive familial heart block type IB (PFHB1B). Identifiers: Orphanet 871, MedGen C1970298, MONDO:0011474, OMIM 604559.

Submissions (2):

Ambry Genetics
Classification: Uncertain significance for Cardiovascular phenotype. Last evaluated: 2025-08-12. Review status: criteria provided, single submitter. Criteria: Ambry Variant Classification Scheme 2023. Collection method: clinical testing. Allele origin: germline.
Comment: The p.D561E variant (also known as c.1683C>G), located in coding exon 12 of the TRPM4 gene, results from a C to G substitution at nucleotide position 1683. The aspartic acid at codon 561 is replaced by glutamic acid, an amino acid with highly similar properties. This amino acid position is conserved. In addition, this alteration is predicted to be tolerated by in silico analysis. Based on the available evidence, the clinical significance of this variant remains unclear.

Labcorp Genetics (formerly Invitae), Labcorp
Classification: Uncertain significance for Progressive familial heart block type IB. Last evaluated: 2024-05-15. Review status: criteria provided, single submitter. Criteria: Invitae Variant Classification Sherloc (09022015). Collection method: clinical testing. Allele origin: germline.
Comment: This sequence change replaces aspartic acid, which is acidic and polar, with glutamic acid, which is acidic and polar, at codon 561 of the TRPM4 protein (p.Asp561Glu). This variant is present in population databases (rs541736303, gnomAD 0.003%). This variant has not been reported in the literature in individuals affected with TRPM4-related conditions. ClinVar contains an entry for this variant (Variation ID: 2152535). An algorithm developed to predict the effect of missense changes on protein structure and function (PolyPhen-2) suggests that this variant is likely to be disruptive. In summary, the available evidence is currently insufficient to determine the role of this variant in disease. Therefore, it has been classified as a Variant of Uncertain Significance.

NM_017636.4(TRPM4):c.1683C>G (p.Asp561Glu)

Gene: TRPM4 (transient receptor potential cation channel subfamily M member 4; plus strand). Cytogenetic location: 19q13.33.
Variant type: single nucleotide variant.
Coding change: c.1683C>G on transcript NM_017636.4 (MANE Select); coding-DNA position 1683, C replaced by G.
Protein change: p.Asp561Glu; replaces aspartic acid 561 with glutamic acid.
Molecular consequence: missense variant.
Genome position (GRCh38, 1-based): chr19:49,183,152, C>G. VCF-style: chr19-49183152-C-G. GRCh37 (hg19) VCF-style: chr19-49686409-C-G.
Other names: c.1683C>G, p.Asp561Glu (NM_001195227.2); c.1338C>G, p.Asp446Glu (NM_001321281.2); c.75C>G, p.Asp25Glu (NM_001321282.2); c.1161C>G, p.Asp387Glu (NM_001321283.2); c.621C>G, p.Asp207Glu (NM_001321285.2); c.1683C>G (NM_017636.3); short protein forms D207E, D25E, D446E, D387E, D561E.
Identifiers: ClinVar variation 2152535 (VCV002152535.7), dbSNP rs541736303, ClinGen allele CA309443559.